The following is an entry in ClinVar:

NM_004360.5(CDH1):c.1128T>C (p.Asn376=)

Gene: CDH1 (cadherin 1; plus strand). Cytogenetic location: 16q22.1.
Variant type: single nucleotide variant.
Coding change: c.1128T>C on transcript NM_004360.5 (MANE Select); coding-DNA position 1128, T replaced by C.
Protein change: p.Asn376=; no amino-acid change (asparagine 376 retained).
Molecular consequence: synonymous variant. On other transcripts: 5 prime UTR variant (2).
Genome position (GRCh38, 1-based): chr16:68,812,254, T>C. VCF-style: chr16-68812254-T-C. GRCh37 (hg19) VCF-style: chr16-68846157-T-C.
Other names: c.1128T>C, p.Asn376= (NM_001317184.2); c.-488T>C (NM_001317185.2); c.-692T>C (NM_001317186.2).
Identifiers: ClinVar variation 926951 (VCV000926951.13), dbSNP rs1960860496, ClinGen allele CA496153133.

ClinVar aggregate classification (germline): Benign/Likely benign. Review status: criteria provided, multiple submitters, no conflicts (2 of 4 stars). 4 submissions from 4 submitters: Benign (1); Likely benign (3). Last evaluated 2024-09-18.

Conditions:
Hereditary cancer-predisposing syndrome. Also called: Tumor predisposition; Hereditary neoplastic syndrome; Neoplastic Syndromes, Hereditary; Hereditary Cancer Syndrome. Identifiers: Orphanet 140162, MedGen C0027672, MeSH D009386, MONDO:0015356.
Hereditary diffuse gastric adenocarcinoma (HDGC). Also called: DIFFUSE GASTRIC AND LOBULAR BREAST CANCER SYNDROME. Identifiers: Orphanet 26106, MedGen C1708349, MONDO:0007648, OMIM 137215.

Submissions (4):

Myriad Genetics, Inc.
Classification: Benign for Hereditary diffuse gastric adenocarcinoma. Last evaluated: 2024-09-18. Review status: criteria provided, single submitter. Criteria: Myriad Autosomal Dominant, Autosomal Recessive and X-Linked Classification Criteria (2023). Collection method: clinical testing. Allele origin: unknown.
Comment: This variant is considered benign. This variant is a silent/synonymous amino acid change and it is not expected to impact splicing.

Labcorp Genetics (formerly Invitae), Labcorp
Classification: Likely benign for Hereditary diffuse gastric adenocarcinoma. Last evaluated: 2024-09-15. Review status: criteria provided, single submitter. Criteria: Invitae Variant Classification Sherloc (09022015). Collection method: clinical testing. Allele origin: germline.

Ambry Genetics
Classification: Likely benign for Hereditary cancer-predisposing syndrome. Last evaluated: 2022-02-27. Review status: criteria provided, single submitter. Criteria: Ambry Variant Classification Scheme 2023. Collection method: clinical testing. Allele origin: germline.

Color Diagnostics, LLC DBA Color Health
Classification: Likely benign for Hereditary cancer-predisposing syndrome. Last evaluated: 2019-12-20. Review status: criteria provided, single submitter. Criteria: ACMG Guidelines, 2015. Collection method: clinical testing. Allele origin: germline.